The following is an entry in ClinVar:

NM_001267550.2(TTN):c.83611A>T (p.Thr27871Ser)

Genes: TTN-AS1 (TTN antisense RNA 1; plus strand), TTN (titin; minus strand). Cytogenetic location: 2q31.2.
Variant type: single nucleotide variant.
Coding change: c.83611A>T on transcript NM_001267550.2 (MANE Select); coding-DNA position 83611, A replaced by T.
Protein change: p.Thr27871Ser; replaces threonine 27871 with serine.
Molecular consequence: missense variant.
Genome position (GRCh38, 1-based): chr2:178,562,521, T>A on the plus strand (A>T on the coding strand, the complement: TTN is on the minus strand). VCF-style: chr2-178562521-T-A. GRCh37 (hg19) VCF-style: chr2-179427248-T-A.
Other names: c.75907A>T, p.Thr25303Ser (NM_133378.4); c.78688A>T, p.Thr26230Ser (NM_001256850.1); c.56416A>T, p.Thr18806Ser (NM_003319.4); c.56791A>T, p.Thr18931Ser (NM_133432.3); c.56992A>T, p.Thr18998Ser (NM_133437.4); short protein forms T27871S, T25303S, T18931S, T18998S, T26230S, T18806S.
Identifiers: ClinVar variation 47427 (VCV000047427.5), dbSNP rs397517724, ClinGen allele CA140960.
Genomic context (GRCh38, chr2:178,562,521, plus strand): 5'-CATCACTTTCTGGTTTCTCCCACTTAATTGTAGCTGTATTACGGGTCACATCAACAAGAG[T>A]TACTCTTCCAGGTGGGAGGGGTGGTTCAGACACTTTAACGGGTTCTGTTGTTTCAGCTGG-3'
Protein context (NP_001254479.2, residues 27861-27881): SEPPLPPGRV[Thr27871Ser]LVDVTRNTAT

ClinVar aggregate classification (germline): Uncertain significance (1 of 4 stars; one submission).

Allele frequency attached by ClinVar (database versions not stated): TOPMed below 0.00001.

Submission:

Laboratory for Molecular Medicine, Mass General Brigham Personalized Medicine
Classification: Uncertain significance. Last evaluated: 2013-03-06. Review status: criteria provided, single submitter. Criteria: LMM Criteria. Collection method: clinical testing. Allele origin: germline. Observed: 1 variant allele.
Comment: The Thr25303Ser variant in TTN has not been reported in the literature nor previ ously identified by our laboratory. This variant has also not been identified in large and broad European American and African American populations by the NHLBI Exome Sequencing Project, though it may be p resent in other populations. Threonine at position 25303 is conserved in mammals but not in evolutionarily distant species, and a serine (Ser; this variant) is present in frog and tetraodon. Computational analyses (biochemical amino acid pr operties, AlignGVGD, PolyPhen2, and SIFT) do not provide strong support for or a gainst an impact to the protein. Additional information is needed to fully asses s the clinical significance of the Thr25303Ser variant.